The following is an entry in ClinVar:

NM_001080449.3(DNA2):c.2208+8C>T

Gene: DNA2 (DNA replication helicase/nuclease 2; minus strand). Cytogenetic location: 10q21.3.
Variant type: single nucleotide variant.
Coding change: c.2208+8C>T on transcript NM_001080449.3 (MANE Select); 8 bases into the intron after coding-DNA position 2208, C replaced by T.
Molecular consequence: intron variant.
Genome position (GRCh38, 1-based): chr10:68,430,428, G>A on the plus strand (C>T on the coding strand, the complement: DNA2 is on the minus strand). VCF-style: chr10-68430428-G-A. GRCh37 (hg19) VCF-style: chr10-70190185-G-A.
Identifiers: ClinVar variation 4998540 (VCV004998540.1).
Genomic context (GRCh38, chr10:68,430,428, plus strand): 5'-ACAGTTTCTCCCCTCATTCTGGCTGTGGACATTAACTGTTAGTATTATTATACAATAATT[G>A]TGCTTACTTGACTATTGTAGAGTTCTTCTAGAAGAGCTAAGGATTTAATGGACTTTGATC-3'

ClinVar aggregate classification (germline): Likely benign (1 of 4 stars; one submission).

Conditions:
DNA2-related disorder. Also called: DNA2-related condition.

gnomAD v4.1: 1 of 1,546,020 alleles (0.000065%); highest among the groups gnomAD compares: Admixed American, 0.0018%; no homozygotes.

Submission:

PreventionGenetics, part of Exact Sciences
Classification: Likely benign for DNA2-related condition. Last evaluated: 2025-05-22. Review status: criteria provided, single submitter. Criteria: ACMG Guidelines, 2015. Collection method: clinical testing. Allele origin: germline.
Comment: This variant is classified as likely benign based on ACMG/AMP sequence variant interpretation guidelines (Richards et al. 2015 PMID: 25741868, with internal and published modifications).